The following is an entry in ClinVar:

NM_007272.3(CTRC):c.53G>T (p.Gly18Val)

Gene: CTRC (chymotrypsin C; plus strand). Cytogenetic location: 1p36.21.
Variant type: single nucleotide variant.
Coding change: c.53G>T on transcript NM_007272.3 (MANE Select); coding-DNA position 53, G replaced by T.
Protein change: p.Gly18Val; replaces glycine 18 with valine.
Molecular consequence: missense variant.
Genome position (GRCh38, 1-based): chr1:15,440,312, G>T. VCF-style: chr1-15440312-G-T. GRCh37 (hg19) VCF-style: chr1-15766808-G-T.
Other names: short protein forms G18V.
Identifiers: ClinVar variation 4869529 (VCV004869529.1).

ClinVar aggregate classification (germline): Uncertain significance (1 of 4 stars; one submission).

Conditions:
Hereditary pancreatitis (PCTT). Also called: Hereditary chronic pancreatitis; PRSS1-Related Hereditary Pancreatitis. Identifiers: Orphanet 676, MedGen C0238339, MONDO:0008185, OMIM 167800.

Submission:

Ambry Genetics
Classification: Uncertain significance for Hereditary pancreatitis. Last evaluated: 2026-04-18. Review status: criteria provided, single submitter. Criteria: Ambry Variant Classification Scheme 2023. Collection method: clinical testing. Allele origin: germline.
Comment: The p.G18V variant (also known as c.53G>T), located in coding exon 2 of the CTRC gene, results from a G to T substitution at nucleotide position 53. The glycine at codon 18 is replaced by valine, an amino acid with dissimilar properties. This amino acid position is conserved. In addition, this alteration is predicted to be deleterious by in silico analysis. Based on the available evidence, the clinical significance of this variant remains unclear.